The following is an entry in ClinVar:

NM_144997.7(FLCN):c.235T>G (p.Ser79Ala)

Gene: FLCN (folliculin; minus strand). Cytogenetic location: 17p11.2.
Variant type: single nucleotide variant.
Coding change: c.235T>G on transcript NM_144997.7 (MANE Select); coding-DNA position 235, T replaced by G.
Protein change: p.Ser79Ala; replaces serine 79 with alanine.
Molecular consequence: missense variant.
Genome position (GRCh38, 1-based): chr17:17,227,903, A>C on the plus strand (T>G on the coding strand, the complement: FLCN is on the minus strand). VCF-style: chr17-17227903-A-C. GRCh37 (hg19) VCF-style: chr17-17131217-A-C.
Other names: c.235T>G (LRG_325t1); c.235T>G, p.Ser79Ala (NM_001353229.2, NM_001353230.2, NM_001353231.2 and 1 more transcripts); short protein forms S79A.
Identifiers: ClinVar variation 566090 (VCV000566090.10), dbSNP rs779733014, ClinGen allele CA8416489.

ClinVar aggregate classification (germline): Uncertain significance. Review status: criteria provided, multiple submitters, no conflicts (2 of 4 stars). 3 submissions from 3 submitters: Uncertain significance (3). Last evaluated 2025-11-13.

Conditions:
Hereditary cancer-predisposing syndrome. Also called: Neoplastic Syndromes, Hereditary; Tumor predisposition; Hereditary Cancer Syndrome; Hereditary neoplastic syndrome. Identifiers: Orphanet 140162, MedGen C0027672, MeSH D009386, MONDO:0015356.
Birt-Hogg-Dube syndrome. Also called: Birt Hogg Dubé syndrome. Identifiers: Orphanet 122, MedGen C0346010, MONDO:0800444.
Familial spontaneous pneumothorax (PSP). Identifiers: Orphanet 2903, MedGen C1868193, MONDO:0008259, OMIM 173600.

Allele frequency attached by ClinVar (database versions not stated): gnomAD exomes below 0.00001; TOPMed below 0.00001; ExAC 0.00001; gnomAD 0.00001.
gnomAD v4.1: 1 of 1,613,922 alleles (0.000062%); highest among the groups gnomAD compares: Non-Finnish European, 0.000085%; no homozygotes.

Submissions (3):

Labcorp Genetics (formerly Invitae), Labcorp
Classification: Uncertain significance for Birt-Hogg-Dube syndrome. Last evaluated: 2025-11-13. Review status: criteria provided, single submitter. Criteria: Invitae Variant Classification Sherloc (09022015). Collection method: clinical testing. Allele origin: germline.
Comment: This sequence change replaces serine, which is neutral and polar, with alanine, which is neutral and non-polar, at codon 79 of the FLCN protein (p.Ser79Ala). This variant is present in population databases (rs779733014, gnomAD 0.0009%). This variant has not been reported in the literature in individuals affected with FLCN-related conditions. ClinVar contains an entry for this variant (Variation ID: 566090). Invitae Evidence Modeling of protein sequence and biophysical properties (such as structural, functional, and spatial information, amino acid conservation, physicochemical variation, residue mobility, and thermodynamic stability) indicates that this missense variant is not expected to disrupt FLCN protein function with a negative predictive value of 80%. In summary, the available evidence is currently insufficient to determine the role of this variant in disease. Therefore, it has been classified as a Variant of Uncertain Significance.

Ambry Genetics
Classification: Uncertain significance for Hereditary cancer-predisposing syndrome. Last evaluated: 2025-09-01. Review status: criteria provided, single submitter. Criteria: Ambry Variant Classification Scheme 2023. Collection method: clinical testing. Allele origin: germline.
Comment: The p.S79A variant (also known as c.235T>G), located in coding exon 1 of the FLCN gene, results from a T to G substitution at nucleotide position 235. The serine at codon 79 is replaced by alanine, an amino acid with similar properties. This amino acid position is highly conserved in available vertebrate species. In addition, this alteration is predicted to be tolerated by in silico analysis. Since supporting evidence is limited at this time, the clinical significance of this alteration remains unclear.

Johns Hopkins Genomics, Johns Hopkins University
Classification: Uncertain significance for Familial spontaneous pneumothorax. Last evaluated: 2021-08-19. Review status: criteria provided, single submitter. Criteria: ACMG Guidelines, 2015. Collection method: clinical testing. Allele origin: germline.
Comment: This FLCN variant (rs779733014) is rare (<0.1%) in a large population dataset (gnomAD: 1/251090 total alleles; 0.0004%; no homozygotes) and has been reported in ClinVar. It has not been reported in the literature, to our knowledge. Three bioinformatic tools queried predict that this substitution would be tolerated, while the serine residue at this position is evolutionarily conserved across most species assessed. We consider the clinical significance of FLCN c.235T>G to be uncertain at this time.